The following is an entry in ClinVar:

NM_020223.4(FAM20C):c.1484T>G (p.Val495Gly)

Gene: FAM20C (FAM20C golgi associated secretory pathway kinase; plus strand). Cytogenetic location: 7p22.3.
Variant type: single nucleotide variant.
Coding change: c.1484T>G on transcript NM_020223.4 (MANE Select); coding-DNA position 1484, T replaced by G.
Protein change: p.Val495Gly; replaces valine 495 with glycine.
Molecular consequence: missense variant.
Genome position (GRCh38, 1-based): chr7:258,684, T>G. VCF-style: chr7-258684-T-G. GRCh37 (hg19) VCF-style: chr7-298650-T-G.
Other names: short protein forms V495G.
Identifiers: ClinVar variation 2880676 (VCV002880676.3), dbSNP rs2534747167, ClinGen allele CA366526021.

ClinVar aggregate classification (germline): Uncertain significance (1 of 4 stars; one submission).

Allele frequency attached by ClinVar (database versions not stated): gnomAD exomes below 0.00001.
gnomAD v4.1: 4 of 1,536,656 alleles (0.00026%); highest among the groups gnomAD compares: Non-Finnish European, 0.00035%; no homozygotes.

Submission:

Labcorp Genetics (formerly Invitae), Labcorp
Classification: Uncertain significance. Last evaluated: 2023-07-17. Review status: criteria provided, single submitter. Criteria: Invitae Variant Classification Sherloc (09022015). Collection method: clinical testing. Allele origin: germline.
Comment: In summary, the available evidence is currently insufficient to determine the role of this variant in disease. Therefore, it has been classified as a Variant of Uncertain Significance. Advanced modeling of protein sequence and biophysical properties (such as structural, functional, and spatial information, amino acid conservation, physicochemical variation, residue mobility, and thermodynamic stability) performed at Invitae indicates that this missense variant is not expected to disrupt FAM20C protein function. This variant has not been reported in the literature in individuals affected with FAM20C-related conditions. This variant is not present in population databases (gnomAD no frequency). This sequence change replaces valine, which is neutral and non-polar, with glycine, which is neutral and non-polar, at codon 495 of the FAM20C protein (p.Val495Gly).